The following is an entry in ClinVar:

NM_000215.4(JAK3):c.2395C>T (p.Arg799Cys)

Gene: JAK3 (Janus kinase 3; minus strand). Cytogenetic location: 19p13.11.
Variant type: single nucleotide variant.
Coding change: c.2395C>T on transcript NM_000215.4 (MANE Select); coding-DNA position 2395, C replaced by T.
Protein change: p.Arg799Cys; replaces arginine 799 with cysteine.
Molecular consequence: missense variant.
Genome position (GRCh38, 1-based): chr19:17,832,885, G>A on the plus strand (C>T on the coding strand, the complement: JAK3 is on the minus strand). VCF-style: chr19-17832885-G-A. GRCh37 (hg19) VCF-style: chr19-17943694-G-A.
Other names: short protein forms R799C.
Identifiers: ClinVar variation 891242 (VCV000891242.9), dbSNP rs201241352, ClinGen allele CA9301606.

ClinVar aggregate classification (germline): Uncertain significance. Review status: criteria provided, multiple submitters, no conflicts (2 of 4 stars). 3 submissions from 3 submitters: Uncertain significance (3). Last evaluated 2026-01-14.

Conditions:
T-B+ severe combined immunodeficiency due to JAK3 deficiency. Also called: SCID, autosomal recessive, T-negative/B-positive type; SCID, T CELL-NEGATIVE, B CELL-POSITIVE, NK CELL-NEGATIVE. Identifiers: Orphanet 35078, MedGen C1833275, MONDO:0010938, OMIM 600802.

Allele frequency attached by ClinVar (database versions not stated): gnomAD 0.00004 and 0.00005; TOPMed 0.00004; ExAC 0.00011.

Submissions (3):

Labcorp Genetics (formerly Invitae), Labcorp
Classification: Uncertain significance for T-B+ severe combined immunodeficiency due to JAK3 deficiency. Last evaluated: 2026-01-14. Review status: criteria provided, single submitter. Criteria: Invitae Variant Classification Sherloc (09022015). Collection method: clinical testing. Allele origin: germline.
Comment: This sequence change replaces arginine, which is basic and polar, with cysteine, which is neutral and slightly polar, at codon 799 of the JAK3 protein (p.Arg799Cys). This variant is present in population databases (rs201241352, gnomAD 0.09%). This variant has not been reported in the literature in individuals affected with JAK3-related conditions. ClinVar contains an entry for this variant (Variation ID: 891242). Invitae Evidence Modeling of protein sequence and biophysical properties (such as structural, functional, and spatial information, amino acid conservation, physicochemical variation, residue mobility, and thermodynamic stability) has been performed for this missense variant. However, the output from this modeling did not meet the statistical confidence thresholds required to predict the impact of this variant on JAK3 protein function. In summary, the available evidence is currently insufficient to determine the role of this variant in disease. Therefore, it has been classified as a Variant of Uncertain Significance.

Illumina Laboratory Services, Illumina
Classification: Uncertain significance for T-B+ severe combined immunodeficiency due to JAK3 deficiency. Last evaluated: 2018-01-13. Review status: criteria provided, single submitter. Criteria: ICSL Variant Classification Criteria 13 December 2019. Collection method: clinical testing. Allele origin: germline.

Breakthrough Genomics
Classification: Uncertain significance. Review status: criteria provided, single submitter. Criteria: ACMG Guidelines, 2015. Collection method: not provided. Allele origin: germline. Inheritance: Autosomal dominant inheritance. Affected: yes.